The following is an entry in ClinVar:

NM_000352.6(ABCC8):c.2700T>G (p.Ile900Met)

Gene: ABCC8 (ATP binding cassette subfamily C member 8; minus strand). Cytogenetic location: 11p15.1.
Variant type: single nucleotide variant.
Coding change: c.2700T>G on transcript NM_000352.6 (MANE Select); coding-DNA position 2700, T replaced by G.
Protein change: p.Ile900Met; replaces isoleucine 900 with methionine.
Molecular consequence: missense variant. On other transcripts: non-coding transcript variant (1).
Genome position (GRCh38, 1-based): chr11:17,408,512, A>C on the plus strand (T>G on the coding strand, the complement: ABCC8 is on the minus strand). VCF-style: chr11-17408512-A-C. GRCh37 (hg19) VCF-style: chr11-17430059-A-C.
Other names: c.2703T>G, p.Ile901Met (NM_001287174.3); c.2766T>G, p.Ile922Met (NM_001351295.2); c.2700T>G, p.Ile900Met (NM_001351296.2); c.2697T>G, p.Ile899Met (NM_001351297.2); short protein forms I899M, I900M, I922M, I901M.
Identifiers: ClinVar variation 2005331 (VCV002005331.4), dbSNP rs2496543731, ClinGen allele CA379805523.

ClinVar aggregate classification (germline): Uncertain significance (1 of 4 stars; one submission).

Submission:

Labcorp Genetics (formerly Invitae), Labcorp
Classification: Uncertain significance. Last evaluated: 2022-07-28. Review status: criteria provided, single submitter. Criteria: Invitae Variant Classification Sherloc (09022015). Collection method: clinical testing. Allele origin: germline.
Comment: This sequence change replaces isoleucine, which is neutral and non-polar, with methionine, which is neutral and non-polar, at codon 900 of the ABCC8 protein (p.Ile900Met). This variant is not present in population databases (gnomAD no frequency). This variant has not been reported in the literature in individuals affected with ABCC8-related conditions. Advanced modeling of protein sequence and biophysical properties (such as structural, functional, and spatial information, amino acid conservation, physicochemical variation, residue mobility, and thermodynamic stability) performed at Invitae indicates that this missense variant is expected to disrupt ABCC8 protein function. In summary, the available evidence is currently insufficient to determine the role of this variant in disease. Therefore, it has been classified as a Variant of Uncertain Significance.